The following is an entry in ClinVar:

NM_030632.3(ASXL3):c.3988G>A (p.Ala1330Thr)

Gene: ASXL3 (ASXL transcriptional regulator 3; plus strand). Cytogenetic location: 18q12.1.
Variant type: single nucleotide variant.
Coding change: c.3988G>A on transcript NM_030632.3 (MANE Select); coding-DNA position 3988, G replaced by A.
Protein change: p.Ala1330Thr; replaces alanine 1330 with threonine.
Molecular consequence: missense variant.
Genome position (GRCh38, 1-based): chr18:33,743,836, G>A. VCF-style: chr18-33743836-G-A. GRCh37 (hg19) VCF-style: chr18-31323800-G-A.
Other names: short protein forms A1330T.
Identifiers: ClinVar variation 1300403 (VCV001300403.3), dbSNP rs188572743, ClinGen allele CA297793263.
Genomic context (GRCh38, chr18:33,743,836, plus strand): 5'-GAGGGCTCCAGCATATCAAGCTCCATGGATGATAAGCAGTTACTAATATCAAGCAGCAGT[G>A]CTAGTAACTTAGTCTCCACTCAGTACACCTCTGTGCCAACTCCCTCCATCGGAAACAATT-3'
Protein context (NP_085135.1, residues 1320-1340): DKQLLISSSS[Ala1330Thr]SNLVSTQYTS

ClinVar aggregate classification (germline): Likely benign. Review status: criteria provided, multiple submitters, no conflicts (2 of 4 stars). 2 submissions from 2 submitters: Likely benign (2). Last evaluated 2023-12-08.

Conditions:
Inborn genetic diseases. Identifiers: MedGen C0950123, MeSH D030342.

Allele frequency attached by ClinVar (database versions not stated): gnomAD exomes 0.00001; gnomAD 0.00010 and 0.00011; 1000 Genomes Project 30x 0.00016; TOPMed 0.00019; 1000 Genomes Project 0.00020.
gnomAD v4.1: 22 of 1,614,020 alleles (0.0014%); highest among the groups gnomAD compares: Admixed American, 0.032%; no homozygotes.

Submissions (2):

Ambry Genetics
Classification: Likely benign for Inborn genetic diseases. Last evaluated: 2023-12-08. Review status: criteria provided, single submitter. Criteria: Ambry Variant Classification Scheme 2023. Collection method: clinical testing. Allele origin: germline.

GeneDx
Classification: Likely benign. Last evaluated: 2020-11-30. Review status: criteria provided, single submitter. Criteria: GeneDx Variant Classification Process June 2021. Collection method: clinical testing. Allele origin: germline. Affected: yes.
Comment: In silico analysis supports that this missense variant does not alter protein structure/function; Has not been previously published as pathogenic or benign to our knowledge